The following is an entry in ClinVar:

GRCh38/hg38 13q22.1(chr13:72868627-72976648)x1

Gene: PIBF1 (progesterone immunomodulatory binding factor 1; plus strand). Cytogenetic location: 13q22.1.
Variant type: copy number loss.
Change: copy number 1 (one copy instead of two) of chr13:72,868,627-72,976,648 (108.0 kb, GRCh38 coordinates, 1-based), cytogenetic band 13q22.1.
Identifiers: ClinVar variation 4796232 (VCV004796232.1).

ClinVar aggregate classification (germline): Uncertain significance (1 of 4 stars; one submission).

Submission:

Medical Genetic Center, Changzhi Maternal and Child Health Care Hospital
Classification: Uncertain significance. Last evaluated: 2025-12-10. Review status: criteria provided, single submitter. Criteria: ACMG/ClinGen CNV Guidelines, 2019. Collection method: clinical testing. Allele origin: unknown.